The following is an entry in ClinVar:

ClinVar aggregate classification (germline): Uncertain significance (1 of 4 stars; one submission).

Submission:

Labcorp Genetics (formerly Invitae), Labcorp
Classification: Uncertain significance. Last evaluated: 2022-03-04. Review status: criteria provided, single submitter. Criteria: Invitae Variant Classification Sherloc (09022015). Collection method: clinical testing. Allele origin: germline.
Comment: This sequence change replaces histidine, which is basic and polar, with tyrosine, which is neutral and polar, at codon 2071 of the ATR protein (p.His2071Tyr). This variant is not present in population databases (gnomAD no frequency). This variant has not been reported in the literature in individuals affected with ATR-related conditions. Algorithms developed to predict the effect of missense changes on protein structure and function (SIFT, PolyPhen-2, Align-GVGD) all suggest that this variant is likely to be tolerated. In summary, the available evidence is currently insufficient to determine the role of this variant in disease. Therefore, it has been classified as a Variant of Uncertain Significance.

NM_001184.4(ATR):c.6211C>T (p.His2071Tyr)

Genes: ATR (ATR checkpoint kinase; minus strand), LOC126806830 (BRD4-independent group 4 enhancer GRCh37_chr3:142203676-142204875; plus strand). Cytogenetic location: 3q23.
Variant type: single nucleotide variant.
Coding change: c.6211C>T on transcript NM_001184.4 (MANE Select); coding-DNA position 6211, C replaced by T.
Protein change: p.His2071Tyr; replaces histidine 2071 with tyrosine.
Molecular consequence: missense variant.
Genome position (GRCh38, 1-based): chr3:142,485,150, G>A on the plus strand (C>T on the coding strand, the complement: ATR is on the minus strand). VCF-style: chr3-142485150-G-A. GRCh37 (hg19) VCF-style: chr3-142203992-G-A.
Other names: c.6019C>T, p.His2007Tyr (NM_001354579.2); short protein forms H2007Y, H2071Y.
Identifiers: ClinVar variation 1486019 (VCV001486019.6), dbSNP rs2108310823, ClinGen allele CA354809321.